The following is an entry in ClinVar:

NM_002439.5(MSH3):c.613T>G (p.Ser205Ala)

Gene: MSH3 (mutS homolog 3; plus strand). Cytogenetic location: 5q14.1.
Variant type: single nucleotide variant.
Coding change: c.613T>G on transcript NM_002439.5 (MANE Select); coding-DNA position 613, T replaced by G.
Protein change: p.Ser205Ala; replaces serine 205 with alanine.
Molecular consequence: missense variant.
Genome position (GRCh38, 1-based): chr5:80,670,130, T>G. VCF-style: chr5-80670130-T-G. GRCh37 (hg19) VCF-style: chr5-79965949-T-G.
Other names: short protein forms S205A.
Identifiers: ClinVar variation 5024833 (VCV005024833.1).
Genomic context (GRCh38, chr5:80,670,130, plus strand): 5'-AAACTTTATACATCTTTTGGTTGCCAGGACACAACACTTTTTGATCTCAGTCAGTTTGGA[T>G]CATCAAATACAAGTCATGAAAATTTACAGAAAACTGCTTCCAAATCAGCTAACAAACGGT-3'
Protein context (NP_002430.3, residues 195-215): TTLFDLSQFG[Ser205Ala]SNTSHENLQK

ClinVar aggregate classification (germline): Uncertain significance (1 of 4 stars; one submission).

Conditions:
Hereditary cancer-predisposing syndrome. Also called: Neoplastic Syndromes, Hereditary; Tumor predisposition; Hereditary neoplastic syndrome; Hereditary Cancer Syndrome. Identifiers: Orphanet 140162, MedGen C0027672, MeSH D009386, MONDO:0015356.

Submission:

Ambry Genetics
Classification: Uncertain significance for Hereditary cancer-predisposing syndrome. Last evaluated: 2026-08-23. Review status: criteria provided, single submitter. Criteria: Ambry Variant Classification Scheme 2023. Collection method: clinical testing. Allele origin: germline.
Comment: The p.S205A variant (also known as c.613T>G), located in coding exon 4 of the MSH3 gene, results from a T to G substitution at nucleotide position 613. The serine at codon 205 is replaced by alanine, an amino acid with similar properties. This amino acid position is conserved. In addition, this alteration is predicted to be tolerated by in silico analysis. Based on the available evidence, the clinical significance of this variant remains unclear.